The following is an entry in ClinVar:

ClinVar aggregate classification (germline): Uncertain significance (1 of 4 stars; one submission).

Conditions:
Congenital hyperammonemia, type I. Also called: Carbamoyl phosphate synthetase 1 deficiency; Hyperammonemia due to carbamoyl phosphate synthetase 1 deficiency; CPS 1 deficiency; Carbamyl phosphate synthetase (CPS) deficiency; CPS I DEFICIENCY; Carbamoyl-phosphate synthase I deficiency. Identifiers: Orphanet 147, MedGen C4082171, MONDO:0009376, OMIM 237300.

Allele frequency attached by ClinVar (database versions not stated): gnomAD exomes below 0.00001.
gnomAD v4.1: 1 of 1,614,030 alleles (0.000062%); highest among the groups gnomAD compares: Non-Finnish European, 0.000085%; no homozygotes.

Submission:

Victorian Clinical Genetics Services, Murdoch Childrens Research Institute
Classification: Uncertain significance for Congenital hyperammonemia, type I. Last evaluated: 2022-02-02. Review status: criteria provided, single submitter. Criteria: ACMG Guidelines, 2015. Collection method: clinical testing. Allele origin: germline. Inheritance: Autosomal recessive inheritance. Affected: yes.
Comment: Based on the classification scheme VCGS_Germline_v1.3.4, this variant is classified as VUS-3A. Following criteria are met: 0102 - Loss of function is a known mechanism of disease in this gene and is associated with Carbamoylphosphate synthetase I deficiency (MIM#237300). (I) 0106 - This gene is associated with autosomal recessive disease. (I) 0200 - Variant is predicted to result in a missense amino acid change from leucine to proline. (I) 0251 - This variant is heterozygous. (I) 0301 - Variant is absent from gnomAD (both v2 and v3). (SP) 0502 - Missense variant with conflicting in silico predictions and uninformative conservation. (I) 0604 - Variant is not located in an established domain, motif, hotspot or informative constraint region. (I) 0705 - No comparable missense variants have previous evidence for pathogenicity. (I) 0807 - This variant has no previous evidence of pathogenicity. (I) 0905 - No published segregation evidence has been identified for this variant. (I) 1007 - No published functional evidence has been identified for this variant. (I) 1101 - Very strong and specific phenotype match for this individual. (I) Legend: (SP) - Supporting pathogenic, (I) - Information, (SB) - Supporting benign

NM_001875.5(CPS1):c.4463T>C (p.Leu1488Pro)

Gene: CPS1 (carbamoyl-phosphate synthase 1; plus strand). Cytogenetic location: 2q34.
Variant type: single nucleotide variant.
Coding change: c.4463T>C on transcript NM_001875.5 (MANE Select); coding-DNA position 4463, T replaced by C.
Protein change: p.Leu1488Pro; replaces leucine 1488 with proline.
Molecular consequence: missense variant. On other transcripts: non-coding transcript variant (2).
Genome position (GRCh38, 1-based): chr2:210,677,945, T>C. VCF-style: chr2-210677945-T-C. GRCh37 (hg19) VCF-style: chr2-211542669-T-C.
Other names: c.4463T>C, p.Leu1488Pro (NM_001122633.3, NM_001369257.1); c.4496T>C, p.Leu1499Pro (NM_001369256.1); short protein forms L1488P, L1499P.
Identifiers: ClinVar variation 1805238 (VCV001805238.1), dbSNP rs2469388192, ClinGen allele CA350441292.